The following is an entry in ClinVar:

ClinVar aggregate classification (germline): Conflicting classifications of pathogenicity. Review status: criteria provided, conflicting classifications (1 of 4 stars). 2 submissions from 2 submitters: Likely pathogenic (1); Uncertain significance (1). Last evaluated 2024-05-30.

Conditions:
Aicardi-Goutieres syndrome 4. Identifiers: Orphanet 51, MedGen C1835912, MONDO:0012472, OMIM 610333.

Allele frequency attached by ClinVar (database versions not stated): gnomAD 0.00002; TOPMed 0.00002; ExAC 0.00004.

Submissions (2):

Fulgent Genetics
Classification: Likely pathogenic for Aicardi-Goutieres syndrome 4. Last evaluated: 2024-05-30. Review status: criteria provided, single submitter. Criteria: ACMG Guidelines, 2015. Collection method: clinical testing. Allele origin: germline.

Labcorp Genetics (formerly Invitae), Labcorp
Classification: Uncertain significance for Aicardi-Goutieres syndrome 4. Last evaluated: 2022-06-15. Review status: criteria provided, single submitter. Criteria: Invitae Variant Classification Sherloc (09022015). Collection method: clinical testing. Allele origin: germline.
Comment: This sequence change affects the initiator methionine of the RNASEH2A mRNA. The next in-frame methionine is located at codon 45. The frequency data for this variant in the population databases is considered unreliable, as metrics indicate poor data quality at this position in the gnomAD database. This variant has not been reported in the literature in individuals affected with RNASEH2A-related conditions. Experimental studies and prediction algorithms are not available or were not evaluated, and the functional significance of this variant is currently unknown. In summary, the available evidence is currently insufficient to determine the role of this variant in disease. Therefore, it has been classified as a Variant of Uncertain Significance.

NM_006397.3(RNASEH2A):c.1A>G (p.Met1Val)

Genes: RNASEH2A (ribonuclease H2 subunit A; plus strand), LOC117038795 (CRISPRi-FlowFISH-validated PRDX2 regulatory element 4; plus strand). Cytogenetic location: 19p13.13.
Variant type: single nucleotide variant.
Coding change: c.1A>G on transcript NM_006397.3 (MANE Select); coding-DNA position 1, A replaced by G.
Protein change: p.Met1Val; changes the start codon (methionine 1).
Molecular consequence: missense variant, initiator codon variant.
Genome position (GRCh38, 1-based): chr19:12,806,674, A>G. VCF-style: chr19-12806674-A-G. GRCh37 (hg19) VCF-style: chr19-12917488-A-G.
Other names: short protein forms M1V.
Identifiers: ClinVar variation 1924566 (VCV001924566.5), dbSNP rs765818462, ClinGen allele CA9231704.
Genomic context (GRCh38, chr19:12,806,674, plus strand): 5'-GCGCCGAGACCCGCTCCTGCAGTATTAGTTCTTGCAGCTGGTGGTGGCGGCTGAGGCGGC[A>G]TGGATCTCAGCGAGCTGGAGAGAGACAATACAGGCCGCTGTCGCCTGAGTTCGCCTGTGC-3'
Protein context (NP_006388.2, residues 1-11): [Met1Val]DLSELERDNT